The following is an entry in ClinVar:

NM_005515.4(MNX1):c.375CGC[10] (p.Ala134dup)

Genes: MNX1 (motor neuron and pancreas homeobox 1; minus strand), LOC129999736 (ATAC-STARR-seq lymphoblastoid silent region 18858; plus strand). Cytogenetic location: 7q36.3.
Variant type: Microsatellite.
Coding change: c.375CGC[10] on transcript NM_005515.4 (MANE Select); ten copies in a row of the 3-base unit CGC starting at c.375; the reference has nine copies in a row; one copy, 3 bases duplicated.
Protein change: p.Ala134dup; duplicates alanine 134.
Molecular consequence: inframe insertion.
Genome position (GRCh38, 1-based): chr7:157,009,950-157,009,952, GCG duplicated on the plus strand (CGC on the coding strand, the reverse complement: MNX1 is on the minus strand); duplicating any 3 consecutive bases within chr7:157,009,950-157,009,978 gives the same sequence; the position shown is the placement nearest the transcript's 3' end. VCF-style (leftmost placement, unchanged base first): chr7-157009949-A-AGCG. GRCh37 (hg19) VCF-style: chr7-156802643-A-AGCG.
Other names: c.399_401dupCGC (NM_005515.3).
Identifiers: ClinVar variation 211505 (VCV000211505.20), dbSNP rs548755417, ClinGen allele CA208662.

ClinVar aggregate classification (germline): Benign/Likely benign. Review status: criteria provided, multiple submitters, no conflicts (2 of 4 stars). 6 submissions from 6 submitters: Benign (2); Likely benign (4). Last evaluated 2026-03-01.

Conditions:
MNX1-related disorder. Also called: MNX1-related condition.

Submissions (6):

CeGaT Center for Human Genetics Tuebingen
Classification: Benign. Last evaluated: 2026-03-01. Review status: criteria provided, single submitter. Criteria: CeGaT Center For Human Genetics Tuebingen Variant Classification Criteria Version 2. Collection method: clinical testing. Allele origin: germline. Affected: yes. Observed: 1 variant allele.
Comment: MNX1: BS1, BS2

Labcorp Genetics (formerly Invitae), Labcorp
Classification: Benign. Last evaluated: 2026-02-04. Review status: criteria provided, single submitter. Criteria: Invitae Variant Classification Sherloc (09022015). Collection method: clinical testing. Allele origin: germline.

PreventionGenetics, part of Exact Sciences
Classification: Likely benign for MNX1-related condition. Last evaluated: 2025-10-02. Review status: criteria provided, single submitter. Criteria: ACMG Guidelines, 2015. Collection method: clinical testing. Allele origin: germline.
Comment: This variant is classified as likely benign based on ACMG/AMP sequence variant interpretation guidelines (Richards et al. 2015 PMID: 25741868, with internal and published modifications).

Laboratory of Genetics, Children's Clinical University Hospital Latvia
Classification: Likely benign. Last evaluated: 2025-02-16. Review status: criteria provided, single submitter. Criteria: ACMG Guidelines, 2015. Collection method: clinical testing. Allele origin: germline. Affected: yes.

Blueprint Genetics
Classification: Likely benign. Last evaluated: 2024-11-26. Review status: criteria provided, single submitter. Criteria: ACMG Guidelines, 2015. Collection method: clinical testing. Allele origin: germline.

Genetic Services Laboratory, University of Chicago
Classification: Likely benign. Last evaluated: 2015-04-14. Review status: criteria provided, single submitter. Criteria: ACMG Guidelines, 2015. Collection method: clinical testing. Allele origin: germline.